The following is an entry in ClinVar:

NM_005045.4(RELN):c.8274+6A>G

Genes: SLC26A5-AS1 (SLC26A5 antisense RNA 1; plus strand), RELN (reelin; minus strand). Cytogenetic location: 7q22.1.
Variant type: single nucleotide variant.
Coding change: c.8274+6A>G on transcript NM_005045.4 (MANE Select); 6 bases into the intron after coding-DNA position 8274, A replaced by G.
Molecular consequence: intron variant.
Genome position (GRCh38, 1-based): chr7:103,510,845, T>C on the plus strand (A>G on the coding strand, the complement: RELN is on the minus strand). VCF-style: chr7-103510845-T-C. GRCh37 (hg19) VCF-style: chr7-103151292-T-C.
Other names: c.8274+6A>G (NM_173054.3).
Identifiers: ClinVar variation 4794837 (VCV004794837.1).
Genomic context (GRCh38, chr7:103,510,845, plus strand): 5'-CTCTGATATTTTTTGTTATATTGCTAATGTATGGTTGTTTATATAATCAAGATCATAACA[T>C]TTCACCTTGAATTGCATAATCCAGCCTTCAGTGGGAGTCAGGTCATGGGTCACTGCATAC-3'

ClinVar aggregate classification (germline): Uncertain significance (1 of 4 stars; one submission).

Conditions:
Norman-Roberts syndrome (LIS2). Also called: Lissencephaly 2 (Norman-Roberts type). Identifiers: Orphanet 89844, MedGen C0796089, MONDO:0009760, OMIM 257320.
Familial temporal lobe epilepsy 7. Identifiers: Orphanet 101046, MedGen C4225327, MONDO:0014639, OMIM 616436.

gnomAD v4.1: 2 of 1,609,800 alleles (0.00012%); highest among the groups gnomAD compares: Non-Finnish European, 0.00017%; no homozygotes.

Submission:

Labcorp Genetics (formerly Invitae), Labcorp
Classification: Uncertain significance for Familial temporal lobe epilepsy 7; Norman-Roberts syndrome. Last evaluated: 2025-12-30. Review status: criteria provided, single submitter. Criteria: Invitae Variant Classification Sherloc (09022015). Collection method: clinical testing. Allele origin: germline.
Comment: This sequence change falls in intron 51 of the RELN gene. It does not directly change the encoded amino acid sequence of the RELN protein. It affects a nucleotide within the consensus splice site. This variant is present in population databases (rs749194304, gnomAD 0.0009%). This variant has not been reported in the literature in individuals affected with RELN-related conditions. Variants that disrupt the consensus splice site are a relatively common cause of aberrant splicing (PMID: 17576681, 9536098). Algorithms developed to predict the effect of sequence changes on RNA splicing suggest that this variant is not likely to affect RNA splicing. In summary, the available evidence is currently insufficient to determine the role of this variant in disease. Therefore, it has been classified as a Variant of Uncertain Significance.

Literature cited by the submitters: PubMed 17576681; PubMed 9536098.